The following is an entry in ClinVar:

NM_015100.4(POGZ):c.2150C>T (p.Pro717Leu)

Gene: POGZ (pogo transposable element derived with ZNF domain; minus strand). Cytogenetic location: 1q21.3.
Variant type: single nucleotide variant.
Coding change: c.2150C>T on transcript NM_015100.4 (MANE Select); coding-DNA position 2150, C replaced by T.
Protein change: p.Pro717Leu; replaces proline 717 with leucine.
Molecular consequence: missense variant.
Genome position (GRCh38, 1-based): chr1:151,408,493, G>A on the plus strand (C>T on the coding strand, the complement: POGZ is on the minus strand). VCF-style: chr1-151408493-G-A. GRCh37 (hg19) VCF-style: chr1-151380969-G-A.
Other names: c.2123C>T, p.Pro708Leu (NM_001194937.2); c.1964C>T, p.Pro655Leu (NM_001194938.2); c.1865C>T, p.Pro622Leu (NM_145796.4); c.1991C>T, p.Pro664Leu (NM_207171.2); short protein forms P717L, P708L, P622L, P655L, P664L.
Identifiers: ClinVar variation 421946 (VCV000421946.4), dbSNP rs1064795463, ClinGen allele CA16616971.

ClinVar aggregate classification (germline): Conflicting classifications of pathogenicity. Review status: criteria provided, conflicting classifications (1 of 4 stars). 3 submissions from 3 submitters: Likely pathogenic (2); Uncertain significance (1). Last evaluated 2025-10-14.

Conditions:
POGZ-related disorder. Also called: POGZ-related condition.

Allele frequency attached by ClinVar (database versions not stated): TOPMed below 0.00001; gnomAD 0.00001; gnomAD exomes 0.00001.
gnomAD v4.1: 11 of 1,592,524 alleles (0.00069%); highest among the groups gnomAD compares: African/African-American, 0.0014%; no homozygotes.

Submissions (3):

Women's Health and Genetics/Laboratory Corporation of America, LabCorp
Classification: Uncertain significance. Last evaluated: 2025-10-14. Review status: criteria provided, single submitter. Criteria: LabCorp Variant Classification Summary - May 2015. Collection method: clinical testing. Allele origin: germline.
Comment: Variant summary: POGZ c.2150C>T (p.Pro717Leu) results in a non-conservative amino acid change in the encoded protein sequence. Algorithms developed to predict the effect of missense changes on protein structure and function are either unavailable or do not agree on the potential impact of this missense change. The variant was absent in 231164 control chromosomes. The available data on variant occurrences in the general population are insufficient to allow any conclusion about variant significance. To our knowledge, no occurrence of c.2150C>T in individuals affected with POGZ-related conditions and no experimental evidence demonstrating its impact on protein function have been reported. ClinVar contains an entry for this variant (Variation ID: 421946). Based on the evidence outlined above, the variant was classified as uncertain significance.

Blueprint Genetics
Classification: Likely pathogenic for POGZ-related disorders. Last evaluated: 2021-09-09. Review status: criteria provided, single submitter. Criteria: ACMG Guidelines, 2015. Collection method: clinical testing. Allele origin: germline. Affected: yes. Observed: 1 variant allele.

GeneDx
Classification: Likely pathogenic. Last evaluated: 2018-02-23. Review status: criteria provided, single submitter. Criteria: GeneDx Variant Classification (06012015). Collection method: clinical testing. Allele origin: germline. Affected: yes.
Comment: A variant that is likely pathogenic has been identified in the POGZ gene. The P717L variant has not been published as a pathogenic variant, nor has it been reported as a benign variant to our knowledge. It was not observed in approximately 6,500 individuals of European and African American ancestry in the NHLBI Exome Sequencing Project, indicating it is not a common benign variant in these populations. The P717L variant is a semi-conservative amino acid substitution, which may impact secondary protein structure as these residues differ in some properties. However, this substitution occurs at a position that is not conserved. In silico analysis is inconsistent in its predictions as to whether or not the P717L variant is damaging to the protein structure/function. Therefore, this variant is likely pathogenic.